The following is an entry in ClinVar:

NM_003743.5(NCOA1):c.1799A>G (p.Asn600Ser)

Gene: NCOA1 (nuclear receptor coactivator 1; plus strand). Cytogenetic location: 2p23.3.
Variant type: single nucleotide variant.
Coding change: c.1799A>G on transcript NM_003743.5 (MANE Select); coding-DNA position 1799, A replaced by G.
Protein change: p.Asn600Ser; replaces asparagine 600 with serine.
Molecular consequence: missense variant.
Genome position (GRCh38, 1-based): chr2:24,707,269, A>G. VCF-style: chr2-24707269-A-G. GRCh37 (hg19) VCF-style: chr2-24930138-A-G.
Other names: c.1799A>G, p.Asn600Ser (NM_001362950.1, NM_001362952.1, NM_001362954.1 and 3 more transcripts); short protein forms N600S.
Identifiers: ClinVar variation 3357922 (VCV003357922.1).

ClinVar aggregate classification (germline): Uncertain significance (0 of 4 stars; one submission).

Conditions:
NCOA1-related disorder. Also called: NCOA1-related condition.

Submission:

PreventionGenetics, part of Exact Sciences
Classification: Uncertain significance for NCOA1-related condition. Last evaluated: 2024-01-29. Review status: no assertion criteria provided. Collection method: clinical testing. Allele origin: germline.
Comment: The NCOA1 c.1799A>G variant is predicted to result in the amino acid substitution p.Asn600Ser. To our knowledge, this variant has not been reported in the literature or in a large population database, indicating this variant is rare. At this time, the clinical significance of this variant is uncertain due to the absence of conclusive functional and genetic evidence.